The following is an entry in ClinVar:

NM_003628.6(PKP4):c.1298T>C (p.Val433Ala)

Gene: PKP4 (plakophilin 4; plus strand). Cytogenetic location: 2q24.1.
Variant type: single nucleotide variant.
Coding change: c.1298T>C on transcript NM_003628.6 (MANE Select); coding-DNA position 1298, T replaced by C.
Protein change: p.Val433Ala; replaces valine 433 with alanine.
Molecular consequence: missense variant.
Genome position (GRCh38, 1-based): chr2:158,631,897, T>C. VCF-style: chr2-158631897-T-C. GRCh37 (hg19) VCF-style: chr2-159488409-T-C.
Other names: c.1298T>C, p.Val433Ala (NM_001005476.4, NM_001304969.3, NM_001304971.2 and 6 more transcripts); c.272T>C, p.Val91Ala (NM_001304970.3); c.1292T>C, p.Val431Ala (NM_001377222.1, NM_001377223.1, NM_001377224.1); short protein forms V433A, V91A, V431A.
Identifiers: ClinVar variation 2448039 (VCV002448039.2), dbSNP rs762743843, ClinGen allele CA1920657.

ClinVar aggregate classification (germline): Uncertain significance (1 of 4 stars; one submission).

Allele frequency attached by ClinVar (database versions not stated): ExAC 0.00001; TOPMed 0.00001.

Submission:

Ambry Genetics
Classification: Uncertain significance. Last evaluated: 2023-03-07. Review status: criteria provided, single submitter. Criteria: Ambry Variant Classification Scheme 2023. Collection method: clinical testing. Allele origin: germline.
Comment: The p.V433A variant (also known as c.1298T>C), located in coding exon 7 of the PKP4 gene, results from a T to C substitution at nucleotide position 1298. The valine at codon 433 is replaced by alanine, an amino acid with similar properties. This amino acid position is conserved. In addition, this alteration is predicted to be tolerated by in silico analysis. Since supporting evidence is limited at this time, the clinical significance of this alteration remains unclear.